The following is an entry in ClinVar:

NM_004448.4(ERBB2):c.508A>C (p.Lys170Gln)

Gene: ERBB2 (erb-b2 receptor tyrosine kinase 2; plus strand). Cytogenetic location: 17q12.
Variant type: single nucleotide variant.
Coding change: c.508A>C on transcript NM_004448.4 (MANE Select); coding-DNA position 508, A replaced by C.
Protein change: p.Lys170Gln; replaces lysine 170 with glutamine.
Molecular consequence: missense variant. On other transcripts: non-coding transcript variant (1), intron variant (2).
Genome position (GRCh38, 1-based): chr17:39,709,386, A>C. VCF-style: chr17-39709386-A-C. GRCh37 (hg19) VCF-style: chr17-37865639-A-C.
Other names: c.418A>C, p.Lys140Gln (NM_001005862.3, NM_001289938.2, NM_001382782.1 and 1 more transcripts); c.463A>C, p.Lys155Gln (NM_001289936.2); c.508A>C, p.Lys170Gln (NM_001289937.2, NM_001382784.1, NM_001382785.1 and 17 more transcripts); c.583A>C, p.Lys195Gln (NM_001382787.1); c.499A>C, p.Lys167Gln (NM_001382791.1); c.440-472A>C (NM_001382799.1); c.74-2542A>C (NM_001382804.1); short protein forms K140Q, K195Q, K167Q, K155Q, K170Q.
Identifiers: ClinVar variation 1521072 (VCV001521072.8), dbSNP rs1269105876, ClinGen allele CA399275398.
Genomic context (GRCh38, chr17:39,709,386, plus strand): 5'-AAAGGAGGGGTCTTGATCCAGCGGAACCCCCAGCTCTGCTACCAGGACACGATTTTGTGG[A>C]AGGACATCTTCCACAAGAACAACCAGCTGGCTCTCACACTGATAGACACCAACCGCTCTC-3'
Protein context (NP_004439.2, residues 160-180): QLCYQDTILW[Lys170Gln]DIFHKNNQLA

ClinVar aggregate classification (germline): Uncertain significance (1 of 4 stars; one submission).

Allele frequency attached by ClinVar (database versions not stated): gnomAD 0.00001; TOPMed 0.00001.
gnomAD v4.1: 1 of 1,613,904 alleles (0.000062%); highest among the groups gnomAD compares: African/African-American, 0.0013%; no homozygotes.

Submission:

Labcorp Genetics (formerly Invitae), Labcorp
Classification: Uncertain significance. Last evaluated: 2024-05-21. Review status: criteria provided, single submitter. Criteria: Invitae Variant Classification Sherloc (09022015). Collection method: clinical testing. Allele origin: germline.
Comment: This sequence change replaces lysine, which is basic and polar, with glutamine, which is neutral and polar, at codon 170 of the ERBB2 protein (p.Lys170Gln). This variant is not present in population databases (gnomAD no frequency). This variant has not been reported in the literature in individuals affected with ERBB2-related conditions. ClinVar contains an entry for this variant (Variation ID: 1521072). Algorithms developed to predict the effect of missense changes on protein structure and function output the following: SIFT: "Not Available"; PolyPhen-2: "Benign"; Align-GVGD: "Not Available". The glutamine amino acid residue is found in multiple mammalian species, which suggests that this missense change does not adversely affect protein function. In summary, the available evidence is currently insufficient to determine the role of this variant in disease. Therefore, it has been classified as a Variant of Uncertain Significance.